The following is an entry in ClinVar:

NC_000006.11:g.(?_105259166)_(105307517_?)dup

Gene: HACE1 (HECT domain and ankyrin repeat containing E3 ubiquitin protein ligase 1; minus strand). Cytogenetic location: 6q16.3.
Variant type: Duplication.
Identifiers: ClinVar variation 2426591 (VCV002426591.4).

ClinVar aggregate classification (germline): Uncertain significance (1 of 4 stars; one submission).

Submission:

Labcorp Genetics (formerly Invitae), Labcorp
Classification: Uncertain significance. Last evaluated: 2022-07-15. Review status: criteria provided, single submitter. Criteria: Invitae Variant Classification Sherloc (09022015). Collection method: clinical testing. Allele origin: germline.
Comment: In summary, the available evidence is currently insufficient to determine the role of this variant in disease. Therefore, it has been classified as a Variant of Uncertain Significance. Experimental studies and prediction algorithms are not available or were not evaluated, and the functional significance of this variant is currently unknown. This variant has not been reported in the literature in individuals affected with HACE1-related conditions. This variant results in a copy number gain of the genomic region encompassing exon(s) 1-7 of the HACE1 gene. This region includes the initiator codon of the gene. This copy number gain extends beyond the assayed region for this gene and therefore may encompass additional genes. As the precise location of this event is unknown, it may be in tandem or it may be located elsewhere in the genome.